The following is an entry in ClinVar:

ClinVar aggregate classification (germline): Benign/Likely benign. Review status: criteria provided, multiple submitters, no conflicts (2 of 4 stars). 2 submissions from 2 submitters: Benign (1); Likely benign (1). Last evaluated 2024-12-30.

Conditions:
Hereditary cancer-predisposing syndrome. Also called: Neoplastic Syndromes, Hereditary; Tumor predisposition; Hereditary Cancer Syndrome; Hereditary neoplastic syndrome. Identifiers: Orphanet 140162, MedGen C0027672, MeSH D009386, MONDO:0015356.
Lynch syndrome 5 (LYNCH5). Also called: Colorectal cancer, hereditary nonpolyposis, type 5; Hereditary non-polyposis colorectal cancer, type 5. Identifiers: Orphanet 144, MedGen C1833477, MONDO:0013710, OMIM 614350. Disease mechanism: loss of function.

Submissions (2):

Myriad Genetics, Inc.
Classification: Benign for Lynch syndrome 5. Last evaluated: 2024-12-30. Review status: criteria provided, single submitter. Criteria: Myriad Autosomal Dominant, Autosomal Recessive and X-Linked Classification Criteria (2023). Collection method: clinical testing. Allele origin: unknown.
Comment: This variant is considered benign. This variant is a silent/synonymous amino acid change and it is not expected to impact splicing.

Ambry Genetics
Classification: Likely benign for Hereditary cancer-predisposing syndrome. Last evaluated: 2021-01-24. Review status: criteria provided, single submitter. Criteria: Ambry Variant Classification Scheme 2023. Collection method: clinical testing. Allele origin: germline.

NM_000179.3(MSH6):c.1963T>C (p.Leu655=)

Gene: MSH6 (mutS homolog 6; plus strand). Cytogenetic location: 2p16.3.
Variant type: single nucleotide variant.
Coding change: c.1963T>C on transcript NM_000179.3 (MANE Select); coding-DNA position 1963, T replaced by C.
Protein change: p.Leu655=; no amino-acid change (leucine 655 retained).
Molecular consequence: synonymous variant. On other transcripts: non-coding transcript variant (5), intron variant (2).
Genome position (GRCh38, 1-based): chr2:47,799,946, T>C. VCF-style: chr2-47799946-T-C. GRCh37 (hg19) VCF-style: chr2-48027085-T-C.
Other names: c.1573T>C, p.Leu525= (NM_001281492.2); c.1057T>C, p.Leu353= (NM_001281493.2, NM_001281494.2, NM_001406811.1 and 6 more transcripts); c.2059T>C, p.Leu687= (NM_001406795.1, NM_001406802.1); c.1963T>C, p.Leu655= (NM_001406796.1, NM_001406798.1, NM_001406800.1 and 3 more transcripts); c.1666T>C, p.Leu556= (NM_001406797.1, NM_001406801.1, NM_001406805.1 and 10 more transcripts); c.1438T>C, p.Leu480= (NM_001406799.1, NM_001406806.1, NM_001406807.1); c.1885T>C, p.Leu629= (NM_001406804.1); c.1969T>C, p.Leu657= (NM_001406813.1); and 3 more.
Identifiers: ClinVar variation 1783489 (VCV001783489.3), dbSNP rs786203468, ClinGen allele CA426121242.